The following is an entry in ClinVar:

NM_000493.4(COL10A1):c.1918G>C (p.Ala640Pro)

Genes: COL10A1 (collagen type X alpha 1 chain; minus strand), NT5DC1 (5'-nucleotidase domain containing 1; plus strand). Cytogenetic location: 6q22.1.
Variant type: single nucleotide variant.
Coding change: c.1918G>C on transcript NM_000493.4 (MANE Select); coding-DNA position 1918, G replaced by C.
Protein change: p.Ala640Pro; replaces alanine 640 with proline.
Molecular consequence: missense variant. On other transcripts: intron variant (1).
Genome position (GRCh38, 1-based): chr6:116,120,198, C>G on the plus strand (G>C on the coding strand, the complement: COL10A1 is on the minus strand). VCF-style: chr6-116120198-C-G. GRCh37 (hg19) VCF-style: chr6-116441361-C-G.
Other names: c.1918G>C, p.Ala640Pro (NM_001424106.1, NM_001424107.1); c.529+2253C>G (NM_152729.3); short protein forms A640P.
Identifiers: ClinVar variation 2769591 (VCV002769591.3), dbSNP rs1779069206, ClinGen allele CA365386410.

ClinVar aggregate classification (germline): Uncertain significance (1 of 4 stars; one submission).

Submission:

Labcorp Genetics (formerly Invitae), Labcorp
Classification: Uncertain significance. Last evaluated: 2023-10-17. Review status: criteria provided, single submitter. Criteria: Invitae Variant Classification Sherloc (09022015). Collection method: clinical testing. Allele origin: germline.
Comment: This sequence change replaces alanine, which is neutral and non-polar, with proline, which is neutral and non-polar, at codon 640 of the COL10A1 protein (p.Ala640Pro). This variant is not present in population databases (gnomAD no frequency). This variant has not been reported in the literature in individuals affected with COL10A1-related conditions. Advanced modeling of protein sequence and biophysical properties (such as structural, functional, and spatial information, amino acid conservation, physicochemical variation, residue mobility, and thermodynamic stability) performed at Invitae indicates that this missense variant is not expected to disrupt COL10A1 protein function. In summary, the available evidence is currently insufficient to determine the role of this variant in disease. Therefore, it has been classified as a Variant of Uncertain Significance.